The following is an entry in ClinVar:

NM_001003800.2(BICD2):c.454-7C>A

Gene: BICD2 (BICD cargo adaptor 2; minus strand). Cytogenetic location: 9q22.31.
Variant type: single nucleotide variant.
Coding change: c.454-7C>A on transcript NM_001003800.2 (MANE Select); 7 bases into the intron before coding-DNA position 454, C replaced by A.
Molecular consequence: intron variant.
Genome position (GRCh38, 1-based): chr9:92,722,815, G>T on the plus strand (C>A on the coding strand, the complement: BICD2 is on the minus strand). VCF-style: chr9-92722815-G-T. GRCh37 (hg19) VCF-style: chr9-95485097-G-T.
Other names: c.454-7C>A (NM_015250.4).
Identifiers: ClinVar variation 4849066 (VCV004849066.1).
Genomic context (GRCh38, chr9:92,722,815, plus strand): 5'-CTCCTTGATGTCATCCCGCAGGCGGCCACGCTGGATCTCCACATTCTGGTTGATCTGTTG[G>T]GGGAGAGGGAAAGGCAGGTATGAGCAGCCTCCACAGGGCACGAGAGGGGCTCAGTGCAGC-3'

ClinVar aggregate classification (germline): Likely benign (1 of 4 stars; one submission).

gnomAD v4.1: 1 of 1,614,050 alleles (0.000062%); highest among the groups gnomAD compares: Non-Finnish European, 0.000085%; no homozygotes.

Submission:

Women's Health and Genetics/Laboratory Corporation of America, LabCorp
Classification: Likely benign. Last evaluated: 2026-04-27. Review status: criteria provided, single submitter. Criteria: LabCorp Variant Classification Summary - May 2015. Collection method: clinical testing. Allele origin: germline.
Comment: Variant summary: BICD2 c.454-7C>A alters a non-conserved nucleotide located at a position not widely known to affect splicing. Consensus agreement among computation tools predict no significant impact on normal splicing. However, these predictions have yet to be confirmed by functional studies. The variant was absent in 250922 control chromosomes. The available data on variant occurrences in the general population are insufficient to allow any conclusion about variant significance. To our knowledge, no occurrence of c.454-7C>A in individuals affected with BICD2-related conditions and no experimental evidence demonstrating its impact on protein function have been reported. No submitters have cited clinical-significance assessments for this variant to ClinVar. Based on the evidence outlined above, the variant was classified as likely benign.